The following is an entry in ClinVar:

NM_012418.4(FSCN2):c.1160G>A (p.Arg387His)

Gene: FSCN2 (fascin actin-bundling protein 2, retinal; plus strand). Cytogenetic location: 17q25.3.
Variant type: single nucleotide variant.
Coding change: c.1160G>A on transcript NM_012418.4 (MANE Select); coding-DNA position 1160, G replaced by A.
Protein change: p.Arg387His; replaces arginine 387 with histidine.
Molecular consequence: missense variant.
Genome position (GRCh38, 1-based): chr17:81,536,676, G>A. VCF-style: chr17-81536676-G-A. GRCh37 (hg19) VCF-style: chr17-79503702-G-A.
Other names: c.1232G>A, p.Arg411His (NM_001077182.3); c.1232G>A (NM_001077182.2); short protein forms R411H, R387H.
Identifiers: ClinVar variation 1472703 (VCV001472703.9), dbSNP rs781025090, ClinGen allele CA8837022.

ClinVar aggregate classification (germline): Uncertain significance. Review status: criteria provided, multiple submitters, no conflicts (2 of 4 stars). 2 submissions from 2 submitters: Uncertain significance (2). Last evaluated 2024-10-09.

Allele frequency attached by ClinVar (database versions not stated): gnomAD exomes 0.00001; ExAC 0.00002; gnomAD 0.00002 and 0.00003; TOPMed 0.00005.
gnomAD v4.1: 11 of 1,611,096 alleles (0.00068%); highest among the groups gnomAD compares: African/African-American, 0.011%; no homozygotes.

Submissions (2):

Ambry Genetics
Classification: Uncertain significance. Last evaluated: 2024-10-09. Review status: criteria provided, single submitter. Criteria: Ambry Variant Classification Scheme 2023. Collection method: clinical testing. Allele origin: germline.

Labcorp Genetics (formerly Invitae), Labcorp
Classification: Uncertain significance. Last evaluated: 2022-10-19. Review status: criteria provided, single submitter. Criteria: Invitae Variant Classification Sherloc (09022015). Collection method: clinical testing. Allele origin: germline.
Comment: This sequence change replaces arginine, which is basic and polar, with histidine, which is basic and polar, at codon 411 of the FSCN2 protein (p.Arg411His). This variant is present in population databases (rs781025090, gnomAD 0.01%). In summary, the available evidence is currently insufficient to determine the role of this variant in disease. Therefore, it has been classified as a Variant of Uncertain Significance. Algorithms developed to predict the effect of missense changes on protein structure and function are either unavailable or do not agree on the potential impact of this missense change (SIFT: "Deleterious"; PolyPhen-2: "Benign"; Align-GVGD: "Class C0"). ClinVar contains an entry for this variant (Variation ID: 1472703). This variant has not been reported in the literature in individuals affected with FSCN2-related conditions.